The following is an entry in ClinVar:

ClinVar aggregate classification (germline): Benign. Review status: criteria provided, multiple submitters, no conflicts (2 of 4 stars). 5 submissions from 5 submitters: Benign (4). 1 of the submissions does not count toward it. Last evaluated 2026-02-03.

Conditions:
Gamma-aminobutyric acid transaminase deficiency (GABATD). Also called: GABA aminotransaminase deficiency; GABA transaminase deficiency; Gamma aminobutyrate transaminase deficiency; 4 alpha aminobutyrate transaminase deficiency. Identifiers: Orphanet 2066, MedGen C0342708, MONDO:0013166, OMIM 613163.

Allele frequency attached by ClinVar (database versions not stated): gnomAD exomes 0.00279 and 0.00736; ExAC 0.00886; gnomAD 0.02874 and 0.03085; 1000 Genomes Project 0.02955; TOPMed 0.03146; 1000 Genomes Project 30x 0.03295; ESP Exome Variant Server 0.03332.
gnomAD v4.1: 8,581 of 1,613,824 alleles (0.53%); highest among the groups gnomAD compares: African/African-American, 10%; 390 homozygotes.

Submissions (5):

Labcorp Genetics (formerly Invitae), Labcorp
Classification: Benign for Gamma-aminobutyric acid transaminase deficiency. Last evaluated: 2026-02-03. Review status: criteria provided, single submitter. Criteria: Invitae Variant Classification Sherloc (09022015). Collection method: clinical testing. Allele origin: germline.

Illumina Laboratory Services, Illumina
Classification: Benign for Gamma-aminobutyric acid transaminase deficiency. Last evaluated: 2018-01-13. Review status: criteria provided, single submitter. Criteria: ICSL Variant Classification Criteria 13 December 2019. Collection method: clinical testing. Allele origin: germline.
Comment: This variant was observed in the ICSL laboratory as part of a predisposition screen in an ostensibly healthy population. It had not been previously curated by ICSL or reported in the Human Gene Mutation Database (HGMD: prior to June 1st, 2018), and was therefore a candidate for classification through an automated scoring system. Utilizing variant allele frequency, disease prevalence and penetrance estimates, and inheritance mode, an automated score was calculated to assess if this variant is too frequent to cause the disease. Based on the score and internal cut-off values, a variant classified as benign is not then subjected to further curation. The score for this variant resulted in a classification of benign for this disease.

Athena Diagnostics
Classification: Benign. Last evaluated: 2017-08-24. Review status: criteria provided, single submitter. Criteria: Athena Diagnostics Criteria. Collection method: clinical testing. Allele origin: germline.

Breakthrough Genomics
Classification: Benign. Review status: criteria provided, single submitter. Criteria: ACMG Guidelines, 2015. Collection method: not provided. Allele origin: germline. Inheritance: Autosomal recessive inheritance. Affected: yes.

Mayo Clinic Laboratories, Mayo Clinic
Classification: Benign. Last evaluated: 2016-03-16. Review status: no assertion criteria provided. Collection method: clinical testing. Allele origin: unknown. Not counted in ClinVar's aggregate classification.

NM_020686.6(ABAT):c.129G>A (p.Gly43=)

Gene: ABAT (4-aminobutyrate aminotransferase; plus strand). Cytogenetic location: 16p13.2.
Variant type: single nucleotide variant.
Coding change: c.129G>A on transcript NM_020686.6 (MANE Select); coding-DNA position 129, G replaced by A.
Protein change: p.Gly43=; no amino-acid change (glycine 43 retained).
Molecular consequence: synonymous variant. On other transcripts: intron variant (2), 5 prime UTR variant (3).
Genome position (GRCh38, 1-based): chr16:8,746,059, G>A. VCF-style: chr16-8746059-G-A. GRCh37 (hg19) VCF-style: chr16-8839916-G-A.
Other names: c.129G>A, p.Gly43= (NM_001386615.1, NM_001386616.1, NM_000663.5 and 11 more transcripts); c.71-2049G>A (NM_001386610.1); c.70+10250G>A (NM_001386614.1); c.-7G>A (NM_001386611.1, NM_001386612.1, NM_001386613.1).
Identifiers: ClinVar variation 320840 (VCV000320840.21), dbSNP rs2228081, ClinGen allele CA7892965.
Genomic context (GRCh38, chr16:8,746,059, plus strand): 5'-AGGATCCAGACACATTAGTCAAGCTGCAGCCAAAGTCGACGTTGAATTTGATTATGATGG[G>A]CCTCTGATGAAGACGGAAGTCCCAGGGCCTAGATCTCAGGTGAGTTGAGCACACCTGAGT-3'
Protein context (NP_065737.2, residues 33-53): AKVDVEFDYD[Gly43=]PLMKTEVPGP